The following is an entry in ClinVar:

NM_000088.4(COL1A1):c.3815-1G>A

Gene: COL1A1 (collagen type I alpha 1 chain; minus strand). Cytogenetic location: 17q21.33.
Variant type: single nucleotide variant.
Coding change: c.3815-1G>A on transcript NM_000088.4 (MANE Select); the canonical splice acceptor site of the intron before coding-DNA position 3815, G replaced by A.
Molecular consequence: splice acceptor variant.
Genome position (GRCh38, 1-based): chr17:50,186,508, C>T on the plus strand (G>A on the coding strand, the complement: COL1A1 is on the minus strand). VCF-style: chr17-50186508-C-T. GRCh37 (hg19) VCF-style: chr17-48263869-C-T.
Identifiers: ClinVar variation 2907527 (VCV002907527.3), dbSNP rs2509161707, ClinGen allele CA400194043.

ClinVar aggregate classification (germline): Pathogenic (1 of 4 stars; one submission).

Conditions:
Osteogenesis imperfecta type I (OI1). Also called: Osteogenesis imperfecta type 1; Lobstein's Disease; Classic Non-deforming Osteogenesis Imperfecta with Blue Sclerae; OI, TYPE I; OSTEOGENESIS IMPERFECTA TARDA; OSTEOGENESIS IMPERFECTA WITH BLUE SCLERAE. Identifiers: Orphanet 216796, Orphanet 666, MedGen C0023931, MONDO:0008146, OMIM 166200. Disease mechanism: loss of function.

Submission:

Labcorp Genetics (formerly Invitae), Labcorp
Classification: Pathogenic for Osteogenesis imperfecta type I. Last evaluated: 2024-07-29. Review status: criteria provided, single submitter. Criteria: Invitae Variant Classification Sherloc (09022015). Collection method: clinical testing. Allele origin: germline.
Comment: This sequence change affects an acceptor splice site in intron 48 of the COL1A1 gene. It is expected to disrupt RNA splicing. Variants that disrupt the donor or acceptor splice site typically lead to a loss of protein function (PMID: 16199547), and loss-of-function variants in COL1A1 are known to be pathogenic (PMID: 7942841, 9295084, 9443882). This variant is not present in population databases (gnomAD no frequency). Disruption of this splice site has been observed in individual(s) with osteogenesis imperfecta type IV (PMID: 31447884). Algorithms developed to predict the effect of sequence changes on RNA splicing suggest that this variant may disrupt the consensus splice site. For these reasons, this variant has been classified as Pathogenic.

Literature cited by the submitters: PubMed 16199547; PubMed 7942841; PubMed 9295084; PubMed 9443882; PubMed 31447884.